The following is an entry in ClinVar:

ClinVar aggregate classification (germline): Conflicting classifications of pathogenicity. Review status: criteria provided, conflicting classifications (1 of 4 stars). 5 submissions from 5 submitters: Likely pathogenic (3); Uncertain significance (2). Last evaluated 2025-12-03.

Conditions:
Neurodevelopmental disorder with hypotonia, language delay, and skeletal defects with or without seizures (NEDHLSS). Identifiers: MedGen C5774213, MONDO:0859286, OMIM 620029.
Timothy syndrome (TS). Also called: LONG QT SYNDROME WITH SYNDACTYLY. Identifiers: Orphanet 65283, MedGen C1832916, MeSH C536962, MONDO:0010979, OMIM 601005.
Cardiovascular phenotype. Identifiers: MedGen CN230736.
Long QT syndrome (LQTS). Identifiers: MedGen C0023976, MeSH D008133, MONDO:0002442. Disease mechanism: loss of function. Inheritance: Various modes of inheritance.

Submissions (5):

Ambry Genetics
Classification: Likely pathogenic for Cardiovascular phenotype. Last evaluated: 2025-12-03. Review status: criteria provided, single submitter. Criteria: Ambry Variant Classification Scheme 2023. Collection method: clinical testing. Allele origin: germline.
Comment: The c.3085A>G (p.I1029V) alteration is located in exon 24 (coding exon 24) of the CACNA1C gene. This alteration results from an A to G substitution at nucleotide position 3085, causing the isoleucine (I) at amino acid position 1029 to be replaced by a valine (V). for autosomal dominant CACNA1C-related neurodevelopmental disorder; however, its clinical significance for autosomal dominant CACNA1C-related long QT syndrome / Timothy syndrome is uncertain. This variant was not reported in population-based cohorts in the Genome Aggregation Database (gnomAD). This amino acid position is highly conserved in available vertebrate species. This missense alteration is located in a region that has a low rate of benign missense variation (Lek, 2016; Firth, 2009). This alteration is predicted to be deleterious by in silico analysis. Based on the available evidence, this alteration is classified as likely pathogenic.

Labcorp Genetics (formerly Invitae), Labcorp
Classification: Uncertain significance for Long QT syndrome. Last evaluated: 2024-03-25. Review status: criteria provided, single submitter. Criteria: Invitae Variant Classification Sherloc (09022015). Collection method: clinical testing. Allele origin: germline.
Comment: This sequence change replaces isoleucine, which is neutral and non-polar, with valine, which is neutral and non-polar, at codon 1029 of the CACNA1C protein (p.Ile1029Val). This variant is not present in population databases (gnomAD no frequency). This variant has not been reported in the literature in individuals affected with CACNA1C-related conditions. ClinVar contains an entry for this variant (Variation ID: 2664800). Advanced modeling of protein sequence and biophysical properties (such as structural, functional, and spatial information, amino acid conservation, physicochemical variation, residue mobility, and thermodynamic stability) performed at Invitae indicates that this missense variant is expected to disrupt CACNA1C protein function with a positive predictive value of 95%. In summary, the available evidence is currently insufficient to determine the role of this variant in disease. Therefore, it has been classified as a Variant of Uncertain Significance.

Blueprint Genetics
Classification: Uncertain significance. Last evaluated: 2023-12-13. Review status: criteria provided, single submitter. Criteria: ACMG Guidelines, 2015. Collection method: clinical testing. Allele origin: germline.

Institute of Human Genetics, Clinical Exome/Genome Diagnostics Group, University Hospital Bonn
Classification: Likely pathogenic for Neurodevelopmental disorder with hypotonia, language delay, and skeletal defects with or without seizures; Timothy syndrome. Last evaluated: 2023-11-08. Review status: criteria provided, single submitter. Criteria: ACMG Guidelines, 2015. Collection method: clinical testing. Allele origin: de novo. Affected: yes.

Genetics and Molecular Pathology, SA Pathology
Classification: Likely pathogenic for Neurodevelopmental disorder with hypotonia, language delay, and skeletal defects with or without seizures. Last evaluated: 2023-06-20. Review status: criteria provided, single submitter. Criteria: ACMG Guidelines, 2015. Collection method: clinical testing. Allele origin: germline. Inheritance: Autosomal dominant inheritance. Affected: yes.
Comment: The CACNA1C c.3085A>G variant is classified as a LIKELY PATHOGENIC variant (PS2, PM2, PP3) This variant is a single nucleotide change in exon 24/47 of the CACNA1C gene, which is predicted to change the amino acid isoleucine at position 1029 in the protein to valine. This variant is not in dbSNP and is absent from population databases (PM2). The variant has not been reported in ClinVar or HGMD disease databases. Computational predictions support a deleterious effect on the gene or gene product (PP3). Clinical review is recommended.

NM_000719.7(CACNA1C):c.3085A>G (p.Ile1029Val)

Gene: CACNA1C (calcium voltage-gated channel subunit alpha1 C; plus strand). Cytogenetic location: 12p13.33.
Variant type: single nucleotide variant.
Coding change: c.3085A>G on transcript NM_000719.7 (MANE Select); coding-DNA position 3085, A replaced by G.
Protein change: p.Ile1029Val; replaces isoleucine 1029 with valine.
Molecular consequence: missense variant.
Genome position (GRCh38, 1-based): chr12:2,605,715, A>G. VCF-style: chr12-2605715-A-G. GRCh37 (hg19) VCF-style: chr12-2714881-A-G.
Other names: c.3145A>G, p.Ile1049Val (NM_001129827.2, NM_001129832.2, NM_199460.4); c.3085A>G, p.Ile1029Val (NM_001129829.2, NM_001129830.3, NM_001129831.2 and 15 more transcripts); c.3076A>G, p.Ile1026Val (NM_001129844.2); short protein forms I1026V, I1029V, I1049V.
Identifiers: ClinVar variation 2664800 (VCV002664800.6), dbSNP rs2518132100, ClinGen allele CA383374152.